The following is an entry in ClinVar:

ClinVar aggregate classification (germline): Benign/Likely benign. Review status: criteria provided, multiple submitters, no conflicts (2 of 4 stars). 4 submissions from 4 submitters: Benign (1); Likely benign (3). Last evaluated 2025-06-23.

Conditions:
Hereditary cancer-predisposing syndrome. Also called: Tumor predisposition; Neoplastic Syndromes, Hereditary; Hereditary Cancer Syndrome; Hereditary neoplastic syndrome. Identifiers: Orphanet 140162, MedGen C0027672, MeSH D009386, MONDO:0015356.
Tuberous sclerosis syndrome (TSC). Also called: Tuberous Sclerosis Complex; Tuberous sclerosis. Identifiers: Orphanet 805, MedGen C0041341, MONDO:0001734.
Tuberous sclerosis 2 (TSC2). Identifiers: Orphanet 805, MedGen C1860707, MONDO:0013199, OMIM 613254.

Submissions (4):

Color Diagnostics, LLC DBA Color Health
Classification: Likely benign for Tuberous sclerosis syndrome. Last evaluated: 2025-06-23. Review status: criteria provided, single submitter. Criteria: ACMG Guidelines, 2015. Collection method: clinical testing. Allele origin: germline.

Myriad Genetics, Inc.
Classification: Benign for Tuberous sclerosis 2. Last evaluated: 2025-05-29. Review status: criteria provided, single submitter. Criteria: Myriad Autosomal Dominant, Autosomal Recessive and X-Linked Classification Criteria (2023). Collection method: clinical testing. Allele origin: unknown.
Comment: This variant is considered benign. This variant is a silent/synonymous amino acid change and it is not expected to impact splicing.

Labcorp Genetics (formerly Invitae), Labcorp
Classification: Likely benign for Tuberous sclerosis 2. Last evaluated: 2025-02-03. Review status: criteria provided, single submitter. Criteria: Invitae Variant Classification Sherloc (09022015). Collection method: clinical testing. Allele origin: germline.

Ambry Genetics
Classification: Likely benign for Hereditary cancer-predisposing syndrome. Last evaluated: 2022-10-12. Review status: criteria provided, single submitter. Criteria: Ambry Variant Classification Scheme 2023. Collection method: clinical testing. Allele origin: germline.

NM_000548.5(TSC2):c.3424C>T (p.Leu1142=)

Gene: TSC2 (TSC complex subunit 2; plus strand). Cytogenetic location: 16p13.3.
Variant type: single nucleotide variant.
Coding change: c.3424C>T on transcript NM_000548.5 (MANE Select); coding-DNA position 3424, C replaced by T.
Protein change: p.Leu1142=; no amino-acid change (leucine 1142 retained).
Molecular consequence: synonymous variant.
Genome position (GRCh38, 1-based): chr16:2,080,191, C>T. VCF-style: chr16-2080191-C-T. GRCh37 (hg19) VCF-style: chr16-2130192-C-T.
Other names: c.3292C>T, p.Leu1098= (NM_001077183.3, NM_001370404.1); c.3424C>T, p.Leu1142= (NM_001114382.3); c.3184C>T, p.Leu1062= (NM_001318827.2); c.3148C>T, p.Leu1050= (NM_001318829.2); c.2692C>T, p.Leu898= (NM_001318831.2); c.3325C>T, p.Leu1109= (NM_001318832.2); c.3295C>T, p.Leu1099= (NM_001363528.2, NM_001370405.1, NM_021055.3).
Identifiers: ClinVar variation 413720 (VCV000413720.16), dbSNP rs1060504111, ClinGen allele CA16615118.